The following is an entry in ClinVar:

ClinVar aggregate classification (germline): Uncertain significance (1 of 4 stars; one submission).

Conditions:
Chromosome 2q32-q33 deletion syndrome (GLASS). Also called: Glass syndrome; 2q33.1 deletion syndrome. Identifiers: Orphanet 251019, MedGen C2676739, MONDO:0012864, OMIM 612313.

gnomAD v4.1: 1 of 1,540,526 alleles (0.000065%); highest among the groups gnomAD compares: African/African-American, 0.0014%; no homozygotes.

Submission:

Labcorp Genetics (formerly Invitae), Labcorp
Classification: Uncertain significance for Chromosome 2q32-q33 deletion syndrome. Last evaluated: 2024-10-21. Review status: criteria provided, single submitter. Criteria: Invitae Variant Classification Sherloc (09022015). Collection method: clinical testing. Allele origin: germline.
Comment: This sequence change replaces arginine, which is basic and polar, with proline, which is neutral and non-polar, at codon 16 of the SATB2 protein (p.Arg16Pro). This variant is not present in population databases (gnomAD no frequency). This variant has not been reported in the literature in individuals affected with SATB2-related conditions. Invitae Evidence Modeling of protein sequence and biophysical properties (such as structural, functional, and spatial information, amino acid conservation, physicochemical variation, residue mobility, and thermodynamic stability) indicates that this missense variant is not expected to disrupt SATB2 protein function with a negative predictive value of 80%. In summary, the available evidence is currently insufficient to determine the role of this variant in disease. Therefore, it has been classified as a Variant of Uncertain Significance.

NM_001172509.2(SATB2):c.47G>C (p.Arg16Pro)

Gene: SATB2 (SATB homeobox 2; minus strand). Cytogenetic location: 2q33.1.
Variant type: single nucleotide variant.
Coding change: c.47G>C on transcript NM_001172509.2 (MANE Select); coding-DNA position 47, G replaced by C.
Protein change: p.Arg16Pro; replaces arginine 16 with proline.
Molecular consequence: missense variant. On other transcripts: non-coding transcript variant (1).
Genome position (GRCh38, 1-based): chr2:199,455,991, C>G on the plus strand (G>C on the coding strand, the complement: SATB2 is on the minus strand). VCF-style: chr2-199455991-C-G. GRCh37 (hg19) VCF-style: chr2-200320714-C-G.
Other names: c.47G>C, p.Arg16Pro (NM_001172517.1, NM_015265.4); short protein forms R16P.
Identifiers: ClinVar variation 2971854 (VCV002971854.3), dbSNP rs1295030903, ClinGen allele CA350388600.